The following is an entry in ClinVar:

ClinVar aggregate classification (germline): Uncertain significance (1 of 4 stars; one submission).

Allele frequency attached by ClinVar (database versions not stated): gnomAD 0.00001; gnomAD exomes 0.00001; TOPMed 0.00002.
gnomAD v4.1: 4 of 1,614,140 alleles (0.00025%); highest among the groups gnomAD compares: Non-Finnish European, 0.00034%; no homozygotes.

Submission:

Labcorp Genetics (formerly Invitae), Labcorp
Classification: Uncertain significance. Last evaluated: 2023-02-21. Review status: criteria provided, single submitter. Criteria: Invitae Variant Classification Sherloc (09022015). Collection method: clinical testing. Allele origin: germline.
Comment: This variant has not been reported in the literature in individuals affected with TECTA-related conditions. In summary, the available evidence is currently insufficient to determine the role of this variant in disease. Therefore, it has been classified as a Variant of Uncertain Significance. Advanced modeling of protein sequence and biophysical properties (such as structural, functional, and spatial information, amino acid conservation, physicochemical variation, residue mobility, and thermodynamic stability) performed at Invitae indicates that this missense variant is not expected to disrupt TECTA protein function. This variant is not present in population databases (gnomAD no frequency). This sequence change replaces tyrosine, which is neutral and polar, with cysteine, which is neutral and slightly polar, at codon 1244 of the TECTA protein (p.Tyr1244Cys).

NM_005422.4(TECTA):c.3731A>G (p.Tyr1244Cys)

Genes: TBCEL-TECTA (TBCEL-TECTA readthrough; plus strand), TECTA (tectorin alpha; plus strand). Cytogenetic location: 11q23.3.
Variant type: single nucleotide variant.
Coding change: c.3731A>G on transcript NM_005422.4 (MANE Select); coding-DNA position 3731, A replaced by G.
Protein change: p.Tyr1244Cys; replaces tyrosine 1244 with cysteine.
Molecular consequence: missense variant.
Genome position (GRCh38, 1-based): chr11:121,145,742, A>G. VCF-style: chr11-121145742-A-G. GRCh37 (hg19) VCF-style: chr11-121016451-A-G.
Other names: c.4688A>G, p.Tyr1563Cys (NM_001378761.1); short protein forms Y1563C, Y1244C.
Identifiers: ClinVar variation 2885448 (VCV002885448.3), dbSNP rs1194366061, ClinGen allele CA383022070.